The following is an entry in ClinVar:

ClinVar aggregate classification (germline): Likely pathogenic (1 of 4 stars; one submission).

Conditions:
Primary ciliary dyskinesia. Also called: Ciliary dyskinesia. Identifiers: Orphanet 244, MedGen C0008780, MONDO:0016575, HP:0012265.

Submission:

Labcorp Genetics (formerly Invitae), Labcorp
Classification: Likely pathogenic for Primary ciliary dyskinesia. Last evaluated: 2021-08-04. Review status: criteria provided, single submitter. Criteria: Invitae Variant Classification Sherloc (09022015). Collection method: clinical testing. Allele origin: germline.
Comment: This variant is a gross deletion of the genomic region encompassing exon(s) 34 of the DNAH5 gene. This variant would be expected to be in-frame, preserving the integrity of the reading frame. A similar copy number variant has been observed in individual(s) with clinical features of DNAH5-related conditions (Invitae). In at least one individual the data is consistent with the variant being in trans (on the opposite chromosome) from a pathogenic variant. This variant disrupts a region of the DNAH5 protein in which other variant(s) (p.Ala1849Thr) have been observed in individuals with DNAH5-related conditions (PMID: 25802884). This suggests that this is a clinically significant region of the protein, and that variants that disrupt it are likely to be disease-causing. In summary, the currently available evidence indicates that the variant is pathogenic, but additional data are needed to prove that conclusively. Therefore, this variant has been classified as Likely Pathogenic.

Literature cited by the submitters: PubMed 25802884.

NC_000005.9:g.(?_13841005)_(13841249_?)del

Gene: DNAH5 (dynein axonemal heavy chain 5; minus strand). Cytogenetic location: 5p15.2.
Variant type: Deletion.
Identifiers: ClinVar variation 2424143 (VCV002424143.11).